The following is an entry in ClinVar:

ClinVar aggregate classification (germline): Likely pathogenic (1 of 4 stars; one submission).

Conditions:
Ehlers-Danlos syndrome, type 4 (EDSVASC). Also called: Ehlers-Danlos Syndrome Type IV; Ehlers-Danlos syndrome vascular type; Ehlers Danlos syndrome, ecchymotic type; Ehlers Danlos syndrome, arterial type; Ehlers Danlos syndrome, Sack-Barabas type. Identifiers: Orphanet 286, MedGen C0268338, MONDO:0017314, OMIM 130050.

Submission:

Laboratory for Molecular Medicine, Mass General Brigham Personalized Medicine
Classification: Likely pathogenic for Ehlers-Danlos syndrome, type 4. Last evaluated: 2017-11-07. Review status: criteria provided, single submitter. Criteria: ACMG Guidelines, 2015. Collection method: clinical testing. Allele origin: germline.
Comment: The p.Pro191fs variant in COL3A1 has not been previously reported in individuals with Ehlers-Danlos syndrome or in large population studies. This variant is predicted to cause a frameshift, which alters the protein’s amino acid sequence beginning at position 191 and leads to a premature termination codon 31 amino acids downstream. This alteration is then predicted to lead to a truncated or absent protein. Frameshift and other loss of function variants in COL3A1 are associated with Ehlers-Danlos syndrome (Stenson, 2017). In summary, although additional studies are required to fully establish its clinical significance, the p.Pro191fs variant is likely pathogenic. ACMG/AMP Criteria applied: PVS1; PM2 (Richards 2015).

NM_000090.4(COL3A1):c.570del (p.Pro191fs)

Gene: COL3A1 (collagen type III alpha 1 chain; plus strand). Cytogenetic location: 2q32.2.
Variant type: Deletion.
Coding change: c.570del on transcript NM_000090.4 (MANE Select); coding-DNA position 570, one base deleted (T; older notation c.570delT).
Protein change: p.Pro191fs; shifts the reading frame from proline 191.
Molecular consequence: frameshift variant.
Genome position (GRCh38, 1-based): chr2:188,988,122, T deleted. VCF-style (leftmost placement, unchanged base first): chr2-188988121-AT-A. GRCh37 (hg19) VCF-style: chr2-189852847-AT-A.
Other names: short protein forms P191fs.
Identifiers: ClinVar variation 3076050 (VCV003076050.1), dbSNP rs2469113424, ClinGen allele CA913187963.
Genomic context (GRCh38, chr2:188,988,121, plus strand): 5'-CATTCAAATTCACATTCCAGGGCCCCCCAGGCCCTCCCGGTCCCCCTGGTACATCTGGTC[AT>A]CCTGGTTCCCCTGTAAGTATAGCCATTGGTGGTGTTTTCTTCCTCATTTTTAGAAAAATC-3'